The following is an entry in ClinVar:

NM_014363.6(SACS):c.4934G>A (p.Arg1645Gln)

Gene: SACS (sacsin molecular chaperone; minus strand). Cytogenetic location: 13q12.12.
Variant type: single nucleotide variant.
Coding change: c.4934G>A on transcript NM_014363.6 (MANE Select); coding-DNA position 4934, G replaced by A.
Protein change: p.Arg1645Gln; replaces arginine 1645 with glutamine.
Molecular consequence: missense variant.
Genome position (GRCh38, 1-based): chr13:23,338,942, C>T on the plus strand (G>A on the coding strand, the complement: SACS is on the minus strand). VCF-style: chr13-23338942-C-T. GRCh37 (hg19) VCF-style: chr13-23913081-C-T.
Other names: c.4934G>A (NM_014363.5); c.4493G>A, p.Arg1498Gln (NM_001278055.2); short protein forms R1498Q, R1645Q.
Identifiers: ClinVar variation 2728398 (VCV002728398.4), dbSNP rs1337377726, ClinGen allele CA387527073.

ClinVar aggregate classification (germline): Likely pathogenic. Review status: criteria provided, multiple submitters, no conflicts (2 of 4 stars). 2 submissions from 2 submitters: Likely pathogenic (2). Last evaluated 2024-10-07.

Conditions:
Charlevoix-Saguenay spastic ataxia (SACS). Also called: Spastic ataxia of Charlevoix-Saguenay; SPASTIC ATAXIA 6, AUTOSOMAL RECESSIVE; AUTOSOMAL RECESSIVE SPASTIC ATAXIA OF CHARLEVOIX-SAGUENAY. Identifiers: Orphanet 98, MedGen C1849140, MONDO:0010041, OMIM 270550.
Spastic paraplegia. Identifiers: MedGen C0037772, HP:0001258.

Allele frequency attached by ClinVar (database versions not stated): gnomAD exomes below 0.00001.
gnomAD v4.1: 3 of 1,613,652 alleles (0.00019%); highest among the groups gnomAD compares: Non-Finnish European, 0.00017%; no homozygotes.

Submissions (2):

Natera, Inc.
Classification: Likely pathogenic for Charlevoix-Saguenay type spastic ataxia. Last evaluated: 2024-10-07. Review status: criteria provided, single submitter. Criteria: Natera Variant Classification Schema (03/2026). Collection method: clinical testing. Allele origin: germline.
Comment: The c.4934G>A variant in SACS is a missense variant predicted to cause substitution of arginine to glutamine at amino acid 1645. This variant is rare in the general population with a frequency below the threshold expected for the associated phenotype(s). This variant has been observed in one or more individuals affected with the associated recessive disease, as either homozygous or compound heterozygous with a second variant (PMID: 23280630, 31130284). Computational prediction algorithms indicate this variant is likely to affect gene or protein function. Given the available evidence, this variant is classified as Likely Pathogenic.

Labcorp Genetics (formerly Invitae), Labcorp
Classification: Likely pathogenic for Spastic paraplegia. Last evaluated: 2024-02-16. Review status: criteria provided, single submitter. Criteria: Invitae Variant Classification Sherloc (09022015). Collection method: clinical testing. Allele origin: germline.
Comment: This sequence change replaces arginine, which is basic and polar, with glutamine, which is neutral and polar, at codon 1645 of the SACS protein (p.Arg1645Gln). This variant is not present in population databases (gnomAD no frequency). This missense change has been observed in individuals with clinical features of hereditary spastic paraplegia (PMID: 23280630, 31130284). This variant is also known as p.Arg1498Gln. Advanced modeling of protein sequence and biophysical properties (such as structural, functional, and spatial information, amino acid conservation, physicochemical variation, residue mobility, and thermodynamic stability) performed at Invitae indicates that this missense variant is expected to disrupt SACS protein function with a positive predictive value of 95%. In summary, the currently available evidence indicates that the variant is pathogenic, but additional data are needed to prove that conclusively. Therefore, this variant has been classified as Likely Pathogenic.

Literature cited by the submitters: PubMed 23280630 (cited by Natera, Inc. and Labcorp Genetics (formerly Invitae), Labcorp); PubMed 31130284 (cited by Natera, Inc. and Labcorp Genetics (formerly Invitae), Labcorp).